The following is an entry in ClinVar:

ClinVar aggregate classification (germline): Pathogenic/Likely pathogenic. Review status: criteria provided, multiple submitters, no conflicts (2 of 4 stars). 8 submissions from 8 submitters: Pathogenic (2); Likely pathogenic (4). 2 of the submissions do not count toward it. Last evaluated 2025-12-14.

Conditions:
Cardiovascular phenotype. Identifiers: MedGen CN230736.
TTN-related disorder. Also called: TTN-related condition; TTN-related disease; TTN-related disorders.
Autosomal recessive limb-girdle muscular dystrophy type 2J (LGMDR10). Also called: Limb-girdle muscular dystrophy, type 2J; MUSCULAR DYSTROPHY, LIMB-GIRDLE, AUTOSOMAL RECESSIVE 10. Identifiers: Orphanet 140922, MedGen C1837342, MONDO:0012127, OMIM 608807.
Dilated cardiomyopathy 1G (CMD1G). Identifiers: Orphanet 154, MedGen C1858763, MONDO:0011400, OMIM 604145.
Myopathy, myofibrillar, 9, with early respiratory failure (MFM9). Also called: Hereditary myopathy with early respiratory failure; Myopathy, distal, with early respiratory failure, autosomal dominant; EDSTROM MYOPATHY; MYOPATHY, PROXIMAL, WITH EARLY RESPIRATORY MUSCLE INVOLVEMENT. Identifiers: Orphanet 178464, Orphanet 34521, MedGen C1863599, MONDO:0011362, OMIM 603689.
Tibial muscular dystrophy (TMD). Also called: Tibial muscular dystrophy, tardive; Udd Distal Myopathy – Tibial Muscular Dystrophy; UDD MYOPATHY. Identifiers: Orphanet 609, MedGen C1838244, MONDO:0010870, OMIM 600334.
Hypertrophic cardiomyopathy 9. Also called: Familial hypertrophic cardiomyopathy 9. Identifiers: MedGen C1861065, MONDO:0013412, OMIM 613765.
Early-onset myopathy with fatal cardiomyopathy (CMYO5). Also called: CONGENITAL MYOPATHY 5 WITH CARDIOMYOPATHY; Salih Myopathy. Identifiers: Orphanet 289377, MedGen C2673677, MONDO:0012714, OMIM 611705. Disease mechanism: loss of function.

Allele frequency attached by ClinVar (database versions not stated): TOPMed below 0.00001.

Submissions (8):

Labcorp Genetics (formerly Invitae), Labcorp
Classification: Likely pathogenic for Dilated cardiomyopathy 1G; Autosomal recessive limb-girdle muscular dystrophy type 2J. Last evaluated: 2025-12-14. Review status: criteria provided, single submitter. Criteria: Invitae Variant Classification Sherloc (09022015). Collection method: clinical testing. Allele origin: germline.
Comment: This sequence change creates a premature translational stop signal (p.Arg31606*) in the TTN gene. While this is not anticipated to result in nonsense mediated decay, it is expected to create a truncated TTN protein. This variant is not present in population databases (gnomAD no frequency). This premature translational stop signal has been observed in individual(s) with clinical features of TTN-related conditions (PMID: 27813223, 29447731, 31638414, 33996946). ClinVar contains an entry for this variant (Variation ID: 404748). This variant is located in the A band of TTN (PMID: 25589632). Truncating variants in this region are significantly overrepresented in patients affected with dilated cardiomyopathy (PMID: 25589632). Truncating variants in this region have also been reported in individuals affected with autosomal recessive centronuclear myopathy (PMID: 23975875). In summary, the currently available evidence indicates that the variant is pathogenic, but additional data are needed to prove that conclusively. Therefore, this variant has been classified as Likely Pathogenic.

Variantyx, Inc.
Classification: Pathogenic for Dilated cardiomyopathy 1G. Last evaluated: 2025-04-09. Review status: criteria provided, single submitter. Criteria: Variantyx Assertion Criteria 2022. Collection method: clinical testing. Allele origin: germline. Inheritance: Autosomal dominant inheritance. Affected: yes.
Comment: This is a nonsense variant in the TTN gene (OMIM: 188840). Pathogenic variants in this gene have been associated with autosomal dominant dilated cardiomyopathy 1G. This variant introduces a premature termination codon in exon 341 out of 363 and is expected to result in loss of function, which is a known disease mechanism for TTN in this disorder (PMID: 27869827) (PVS1). This variant has been reported in at least 4 unrelated affected individuals (PMID: 29447731, 33996946, 36270069, 27813223) (PS4_Moderate), while it is absent from control populations (PM2). Based on the current evidence, this variant is classified as pathogenic for autosomal dominant dilated cardiomyopathy 1G.

GeneDx
Classification: Likely pathogenic. Last evaluated: 2022-09-21. Review status: criteria provided, single submitter. Criteria: GeneDx Variant Classification Process June 2021. Collection method: clinical testing. Allele origin: germline. Affected: yes.
Comment: Identified in patients with DCM and early-onset atrial fibrillation in published literature (van Waning et al., 2018; Jansweijer et al., 2017, Goodyer et al., 2019); Not observed at significant frequency in large population cohorts (gnomAD); Nonsense variant predicted to result in protein truncation or nonsense mediated decay in a gene for which loss of function is a known mechanism of disease; Located in the A-band region of TTN in which the majority of loss of function variants have been associated with autosomal dominant titinopathies (Herman et al., 2012); This variant is associated with the following publications: (PMID: 22335739, 31638414, 27813223, Atak2021[Computational], 29447731)

Ambry Genetics
Classification: Likely pathogenic for Cardiovascular phenotype. Last evaluated: 2021-06-18. Review status: criteria provided, single submitter. Criteria: Ambry Variant Classification Scheme 2023. Collection method: clinical testing. Allele origin: germline.
Comment: The p.R22541* variant (also known as c.67621C>T), located in coding exon 168 of the TTN gene, results from a C to T substitution at nucleotide position 67621. This changes the amino acid from an arginine to a stop codon within coding exon 168. This exon is located in the A-band region of the N2-B isoform of the titin protein and is constitutively expressed in TTN transcripts (percent spliced in or PSI 100%). This alteration has been reported in association with dilated cardiomyopathy (DCM) (Jansweijer JA et al. Eur J Heart Fail, 2017 04;19:512-521; van Waning JI et al. J Am Coll Cardiol, 2018 02;71:711-722). This variant is considered to be rare based on population cohorts in the Genome Aggregation Database (gnomAD). This alteration is expected to result in loss of function by premature protein truncation or nonsense-mediated mRNA decay. While truncating variants in TTN are present in 1-3% of the general population, truncating variants in the A-band are the most common cause of dilated cardiomyopathy (DCM) (Herman DS et al. N. Engl. J. Med., 2012 Feb;366:619-28; Roberts AM et al. Sci Transl Med, 2015 Jan;7:270ra6). TTN truncating variants encoded in constitutive exons (PSI >90%) have been found to be significantly associated with DCM regardless of their position in titin (Schafer S et al. Nat. Genet., 2017 01;49:46-53). As such, this alteration is classified as likely pathogenic.

Blueprint Genetics
Classification: Likely pathogenic for TTN-related disorders. Last evaluated: 2019-02-15. Review status: criteria provided, single submitter. Criteria: ACMG Guidelines, 2015. Collection method: clinical testing. Allele origin: germline. Affected: yes. Observed: 1 variant allele.

Juno Genomics, Hangzhou Juno Genomics, Inc
Classification: Pathogenic for Early-onset myopathy with fatal cardiomyopathy; Dilated cardiomyopathy 1G; Hypertrophic cardiomyopathy 9; Autosomal recessive limb-girdle muscular dystrophy type 2J; Myopathy, myofibrillar, 9, with early respiratory failure; Tibial muscular dystrophy. Review status: criteria provided, single submitter. Criteria: ACMG Guidelines, 2015. Collection method: clinical testing. Allele origin: germline.
Comment: Absent from controls (or at extremely low frequency if recessive) in Genome Aggregation Database.;Null variant in a gene where loss of function (LOF) is a known mechanism of disease.;The prevalence of the variant in affected individuals is significantly increased compared to the prevalence in controls.

Clinical Genetics, Academic Medical Center
Classification: Likely pathogenic. Review status: no assertion criteria provided. Collection method: clinical testing. Allele origin: germline. Affected: yes. Study: VKGL Data-share Consensus. Not counted in ClinVar's aggregate classification.

Diagnostic Laboratory, Department of Genetics, University Medical Center Groningen
Classification: Likely pathogenic. Review status: no assertion criteria provided. Collection method: clinical testing. Allele origin: germline. Affected: yes. Study: VKGL Data-share Consensus. Not counted in ClinVar's aggregate classification.

Literature cited by the submitters: PubMed 27813223 (cited by 3 submitters); PubMed 29447731 (cited by 3 submitters); PubMed 31638414 (cited by Labcorp Genetics (formerly Invitae), Labcorp); PubMed 33996946 (cited by Labcorp Genetics (formerly Invitae), Labcorp and Variantyx, Inc.); PubMed 25589632 (cited by Labcorp Genetics (formerly Invitae), Labcorp); PubMed 23975875 (cited by Labcorp Genetics (formerly Invitae), Labcorp); PubMed 36270069 (cited by Variantyx, Inc.); PubMed 27869827 (cited by Variantyx, Inc.).

NM_001267550.2(TTN):c.94816C>T (p.Arg31606Ter)

Genes: TTN (titin; minus strand), TTN-AS1 (TTN antisense RNA 1; plus strand). Cytogenetic location: 2q31.2.
Variant type: single nucleotide variant.
Coding change: c.94816C>T on transcript NM_001267550.2 (MANE Select); coding-DNA position 94816, C replaced by T.
Protein change: p.Arg31606Ter; replaces arginine 31606 with a stop codon.
Molecular consequence: nonsense.
Genome position (GRCh38, 1-based): chr2:178,546,612, G>A on the plus strand (C>T on the coding strand, the complement: TTN is on the minus strand). VCF-style: chr2-178546612-G-A. GRCh37 (hg19) VCF-style: chr2-179411339-G-A.
Other names: c.89893C>T, p.Arg29965Ter (NM_001256850.1); c.67621C>T, p.Arg22541Ter (NM_003319.4); c.87112C>T, p.Arg29038Ter (NM_133378.4); c.67996C>T, p.Arg22666Ter (NM_133432.3); c.68197C>T, p.Arg22733Ter (NM_133437.4); c.94816C>T (NM_001267550.1); short protein forms R31606*, R29965*, R22541*, R22666*, R29038*, R22733*.
Identifiers: ClinVar variation 404748 (VCV000404748.22), dbSNP rs1060500435, ClinGen allele CA16610333.